The following is an entry in ClinVar:

ClinVar aggregate classification (germline): Likely pathogenic (1 of 4 stars; one submission).

Conditions:
AKR1D1-related disorder. Also called: AKR1D1-related condition.

Submission:

PreventionGenetics, part of Exact Sciences
Classification: Likely pathogenic for AKR1D1-related condition. Last evaluated: 2026-03-13. Review status: criteria provided, single submitter. Criteria: ACMG Guidelines, 2015. Collection method: clinical testing. Allele origin: germline.
Comment: The AKR1D1 c.690G>A variant is predicted to result in premature protein termination (p.Trp230*). To our knowledge, this variant has not been reported in the literature or in a large population database (gnomAD), indicating this variant is rare. Nonsense variants in AKR1D1 are expected to be pathogenic. This variant is interpreted as likely pathogenic.

NM_005989.4(AKR1D1):c.690G>A (p.Trp230Ter)

Gene: AKR1D1 (aldo-keto reductase family 1 member D1; plus strand). Cytogenetic location: 7q33.
Variant type: single nucleotide variant.
Coding change: c.690G>A on transcript NM_005989.4 (MANE Select); coding-DNA position 690, G replaced by A.
Protein change: p.Trp230Ter; replaces tryptophan 230 with a stop codon.
Molecular consequence: nonsense.
Genome position (GRCh38, 1-based): chr7:138,107,415, G>A. VCF-style: chr7-138107415-G-A. GRCh37 (hg19) VCF-style: chr7-137792161-G-A.
Other names: c.567G>A, p.Trp189Ter (NM_001190906.2); c.690G>A, p.Trp230Ter (NM_001190907.2); short protein forms W189*, W230*.
Identifiers: ClinVar variation 4988603 (VCV004988603.1).
Genomic context (GRCh38, chr7:138,107,415, plus strand): 5'-TATTAACCTTTGGTTCTCATTATGCAAACTAATTATGATGCATGTTTTGATATTTTTAAG[G>A]GTGAATGTTTCTTCTCCACCTTTGTTAAAGGATGCACTTCTAAACTCATTGGGGAAAAGG-3'